The following is an entry in ClinVar:

ClinVar aggregate classification (germline): Uncertain significance (1 of 4 stars; one submission).

Allele frequency attached by ClinVar (database versions not stated): gnomAD exomes below 0.00001.
gnomAD v4.1: 2 of 1,609,112 alleles (0.00012%); highest among the groups gnomAD compares: Non-Finnish European, 0.00017%; no homozygotes.

Submission:

Labcorp Genetics (formerly Invitae), Labcorp
Classification: Uncertain significance. Last evaluated: 2023-05-23. Review status: criteria provided, single submitter. Criteria: Invitae Variant Classification Sherloc (09022015). Collection method: clinical testing. Allele origin: germline.
Comment: In summary, the available evidence is currently insufficient to determine the role of this variant in disease. Therefore, it has been classified as a Variant of Uncertain Significance. This sequence change replaces alanine, which is neutral and non-polar, with proline, which is neutral and non-polar, at codon 19 of the KLHL7 protein (p.Ala19Pro). This variant is not present in population databases (gnomAD no frequency). This variant has not been reported in the literature in individuals affected with KLHL7-related conditions. An algorithm developed to predict the effect of missense changes on protein structure and function (PolyPhen-2) suggests that this variant is likely to be disruptive.

NM_001031710.3(KLHL7):c.55G>C (p.Ala19Pro)

Gene: KLHL7 (kelch like family member 7; plus strand). Cytogenetic location: 7p15.3.
Variant type: single nucleotide variant.
Coding change: c.55G>C on transcript NM_001031710.3 (MANE Select); coding-DNA position 55, G replaced by C.
Protein change: p.Ala19Pro; replaces alanine 19 with proline.
Molecular consequence: missense variant. On other transcripts: non-coding transcript variant (2).
Genome position (GRCh38, 1-based): chr7:23,106,081, G>C. VCF-style: chr7-23106081-G-C. GRCh37 (hg19) VCF-style: chr7-23145700-G-C.
Other names: c.55G>C, p.Ala19Pro (NM_001172428.2); short protein forms A19P.
Identifiers: ClinVar variation 2701040 (VCV002701040.3), dbSNP rs2534736171, ClinGen allele CA366972569.